The following is an entry in ClinVar:

ClinVar aggregate classification (germline): Uncertain significance (1 of 4 stars; one submission).

Conditions:
Anophthalmia-microphthalmia syndrome. Also called: Anophthalmia - microphthalmia; Anophthalmia/Microphthalmia. Identifiers: Orphanet 98555, MedGen C5680330, MONDO:0020147.

Allele frequency attached by ClinVar (database versions not stated): gnomAD exomes below 0.00001.
gnomAD v4.1: 2 of 1,614,196 alleles (0.00012%); highest among the groups gnomAD compares: Non-Finnish European, 0.00017%; no homozygotes.

Submission:

Labcorp Genetics (formerly Invitae), Labcorp
Classification: Uncertain significance for Anophthalmia-microphthalmia syndrome. Last evaluated: 2024-05-18. Review status: criteria provided, single submitter. Criteria: Invitae Variant Classification Sherloc (09022015). Collection method: clinical testing. Allele origin: germline.
Comment: This sequence change replaces serine, which is neutral and polar, with leucine, which is neutral and non-polar, at codon 192 of the OTX2 protein (p.Ser192Leu). This variant is not present in population databases (gnomAD no frequency). This variant has not been reported in the literature in individuals affected with OTX2-related conditions. ClinVar contains an entry for this variant (Variation ID: 2162154). An algorithm developed to predict the effect of missense changes on protein structure and function (PolyPhen-2) suggests that this variant is likely to be disruptive. In summary, the available evidence is currently insufficient to determine the role of this variant in disease. Therefore, it has been classified as a Variant of Uncertain Significance.

NM_021728.4(OTX2):c.599C>T (p.Ser200Leu)

Gene: OTX2 (orthodenticle homeobox 2; minus strand). Cytogenetic location: 14q22.3.
Variant type: single nucleotide variant.
Coding change: c.599C>T on transcript NM_021728.4 (MANE Select); coding-DNA position 599, C replaced by T.
Protein change: p.Ser200Leu; replaces serine 200 with leucine.
Molecular consequence: missense variant. On other transcripts: non-coding transcript variant (2).
Genome position (GRCh38, 1-based): chr14:56,802,030, G>A on the plus strand (C>T on the coding strand, the complement: OTX2 is on the minus strand). VCF-style: chr14-56802030-G-A. GRCh37 (hg19) VCF-style: chr14-57268748-G-A.
Other names: c.575C>T, p.Ser192Leu (NM_001270523.2, NM_001270524.2, NM_172337.3); c.599C>T, p.Ser200Leu (NM_001270525.2); short protein forms S200L, S192L.
Identifiers: ClinVar variation 2162154 (VCV002162154.4), dbSNP rs2503895649, ClinGen allele CA390051518.
Genomic context (GRCh38, chr14:56,802,030, plus strand): 5'-AGCTGGTGATGCATAGGGGTCAAATATGATCCACAGTCCATGCCCCCAAAGTAGGAAGTT[G>A]AGCCAGCATATCCTTGACTATAACCTGAAGCCTGAGTATAGGTCATGGGATAGGACCTCT-3'
Protein context (NP_068374.1, residues 190-210): ASGYSQGYAG[Ser200Leu]TSYFGGMDCG